The following is an entry in ClinVar:

ClinVar aggregate classification (germline): Uncertain significance (1 of 4 stars; one submission).

Conditions:
Primary ciliary dyskinesia 5. Also called: CILIARY DYSKINESIA, PRIMARY, 5, WITHOUT SITUS INVERSUS. Identifiers: Orphanet 244, MedGen C1837615, MONDO:0012088, OMIM 608647.

Submission:

3billion
Classification: Uncertain significance for Primary ciliary dyskinesia 5. Last evaluated: 2024-12-09. Review status: criteria provided, single submitter. Criteria: ACMG Guidelines, 2015. Collection method: clinical testing. Allele origin: germline. Affected: yes.
Comment: The variant is observed at an extremely low frequency in the gnomAD v4.1.0 dataset (total allele frequency: 0.001%). Predicted Consequence/Location: Synonymous variant In silico tools predict the variant to alter splicing and produce an abnormal transcript [SpliceAI: 0.25 (>=0.2, moderate evidence for spliceogenicity)]. Therefore, this variant is classified as VUS according to the recommendation of ACMG/AMP guideline.

NM_001270974.2(HYDIN):c.8853G>A (p.Gln2951=)

Gene: HYDIN (HYDIN axonemal central pair apparatus protein; minus strand). Cytogenetic location: 16q22.2.
Variant type: single nucleotide variant.
Coding change: c.8853G>A on transcript NM_001270974.2 (MANE Select); coding-DNA position 8853, G replaced by A.
Protein change: p.Gln2951=; no amino-acid change (glutamine 2951 retained).
Molecular consequence: synonymous variant.
Genome position (GRCh38, 1-based): chr16:70,901,199, C>T on the plus strand (G>A on the coding strand, the complement: HYDIN is on the minus strand). VCF-style: chr16-70901199-C-T. GRCh37 (hg19) VCF-style: chr16-70935102-C-T.
Identifiers: ClinVar variation 4291823 (VCV004291823.1).
Genomic context (GRCh38, chr16:70,901,199, plus strand): 5'-GGTGATCCGCCAGGCCACAGGCAGGAGCGTGACATTGCGGAGAAGAACTACCCTGGATTC[C>T]TGTCTGCAGAGACAAAAGGAAAGTTGCAATTTCATTTCAAATTTTGTAGTTTCATGTGTT-3'
Protein context (NP_001257903.1, residues 2941-2961): LHFDRLLLHR[Gln2951=]ESRVVLLRNV